The following is an entry in ClinVar:

ClinVar aggregate classification (germline): Conflicting classifications of pathogenicity. Review status: criteria provided, conflicting classifications (1 of 4 stars). 2 submissions from 2 submitters: Uncertain significance (1); Likely benign (1). Last evaluated 2025-08-25.

Conditions:
Inborn genetic diseases. Identifiers: MedGen C0950123, MeSH D030342.

gnomAD v4.1: 36 of 1,558,882 alleles (0.0023%); highest among the groups gnomAD compares: Admixed American, 0.0058%; no homozygotes.

Submissions (2):

Ambry Genetics
Classification: Likely benign for Inborn genetic diseases. Last evaluated: 2025-08-25. Review status: criteria provided, single submitter. Criteria: Ambry Variant Classification Scheme 2023. Collection method: clinical testing. Allele origin: germline.

Labcorp Genetics (formerly Invitae), Labcorp
Classification: Uncertain significance. Last evaluated: 2025-03-22. Review status: criteria provided, single submitter. Criteria: Invitae Variant Classification Sherloc (09022015). Collection method: clinical testing. Allele origin: germline.
Comment: This sequence change replaces serine, which is neutral and polar, with leucine, which is neutral and non-polar, at codon 1286 of the MYO18B protein (p.Ser1286Leu). The frequency data for this variant in the population databases is considered unreliable, as metrics indicate poor data quality at this position in the gnomAD database. This variant has not been reported in the literature in individuals affected with MYO18B-related conditions. An algorithm developed to predict the effect of missense changes on protein structure and function outputs the following: PolyPhen-2: "Benign". The leucine amino acid residue is found in multiple mammalian species, which suggests that this missense change does not adversely affect protein function. In summary, the available evidence is currently insufficient to determine the role of this variant in disease. Therefore, it has been classified as a Variant of Uncertain Significance.

NM_032608.7(MYO18B):c.3857C>T (p.Ser1286Leu)

Gene: MYO18B (myosin XVIIIB; plus strand). Cytogenetic location: 22q12.1.
Variant type: single nucleotide variant.
Coding change: c.3857C>T on transcript NM_032608.7 (MANE Select); coding-DNA position 3857, C replaced by T.
Protein change: p.Ser1286Leu; replaces serine 1286 with leucine.
Molecular consequence: missense variant.
Genome position (GRCh38, 1-based): chr22:25,851,551, C>T. VCF-style: chr22-25851551-C-T. GRCh37 (hg19) VCF-style: chr22-26247518-C-T.
Other names: c.3860C>T, p.Ser1287Leu (NM_001318245.2); short protein forms S1286L, S1287L.
Identifiers: ClinVar variation 4115302 (VCV004115302.2).